The following is an entry in ClinVar:

ClinVar aggregate classification (germline): Uncertain significance. Review status: criteria provided, multiple submitters, no conflicts (2 of 4 stars). 2 submissions from 2 submitters: Uncertain significance (2). Last evaluated 2024-06-17.

Conditions:
Xeroderma pigmentosum (XP). Identifiers: Orphanet 910, MedGen C0043346, MONDO:0019600.

Allele frequency attached by ClinVar (database versions not stated): TOPMed below 0.00001; gnomAD 0.00001; gnomAD exomes 0.00001.
gnomAD v4.1: 12 of 1,614,052 alleles (0.00074%); highest among the groups gnomAD compares: Non-Finnish European, 0.001%; no homozygotes.

Submissions (2):

GeneDx
Classification: Uncertain significance. Last evaluated: 2024-06-17. Review status: criteria provided, single submitter. Criteria: GeneDx Variant Classification Process June 2021. Collection method: clinical testing. Allele origin: germline. Affected: yes.
Comment: Not observed at significant frequency in large population cohorts (gnomAD); In silico analysis supports that this missense variant has a deleterious effect on protein structure/function; Has not been previously published as pathogenic or benign to our knowledge; This variant is associated with the following publications: (PMID: 27085493)

Sema4
Classification: Uncertain significance for Xeroderma pigmentosum. Last evaluated: 2021-09-18. Review status: criteria provided, single submitter. Criteria: Sema4 Curation Guidelines. Collection method: curation. Allele origin: germline.
Comment: To the best of our knowledge, the ERCC2 c.1343T>C (p.F448S) variant has not been reported in individuals with ERCC2-related disease. This variant is not reported in the population database Genome Aggregation Database (PMID: 32461654) nor has it been reported in ClinVar. In silico tools suggest the impact of the variant on protein function is deleterious, though these predictions have not been confirmed by functional studies. The evidence is insufficient to meet ACMG/AMP criteria for classifying the variant as benign or pathogenic. Thus, the clinical significance of this variant is currently uncertain.

NM_000400.4(ERCC2):c.1343T>C (p.Phe448Ser)

Gene: ERCC2 (ERCC excision repair 2, TFIIH core complex helicase subunit; minus strand). Cytogenetic location: 19q13.32.
Variant type: single nucleotide variant.
Coding change: c.1343T>C on transcript NM_000400.4 (MANE Select); coding-DNA position 1343, T replaced by C.
Protein change: p.Phe448Ser; replaces phenylalanine 448 with serine.
Molecular consequence: missense variant.
Genome position (GRCh38, 1-based): chr19:45,357,508, A>G on the plus strand (T>C on the coding strand, the complement: ERCC2 is on the minus strand). VCF-style: chr19-45357508-A-G. GRCh37 (hg19) VCF-style: chr19-45860766-A-G.
Other names: short protein forms F448S.
Identifiers: ClinVar variation 1692426 (VCV001692426.2), dbSNP rs41559922, ClinGen allele CA308959207.